The following is an entry in ClinVar:

ClinVar aggregate classification (germline): Uncertain significance. Review status: criteria provided, multiple submitters, no conflicts (2 of 4 stars). 2 submissions from 2 submitters: Uncertain significance (2). Last evaluated 2026-01-08.

Conditions:
Legius syndrome. Identifiers: Orphanet 137605, MedGen C1969623, MONDO:0012669, OMIM 611431. Disease mechanism: loss of function.

Allele frequency attached by ClinVar (database versions not stated): gnomAD 0.00001; gnomAD exomes 0.00001; TOPMed 0.00001.
gnomAD v4.1: 17 of 1,614,034 alleles (0.0011%); highest among the groups gnomAD compares: Non-Finnish European, 0.0014%; no homozygotes.

Submissions (2):

Labcorp Genetics (formerly Invitae), Labcorp
Classification: Uncertain significance for Legius syndrome. Last evaluated: 2026-01-08. Review status: criteria provided, single submitter. Criteria: Invitae Variant Classification Sherloc (09022015). Collection method: clinical testing. Allele origin: germline.
Comment: This sequence change replaces glutamic acid, which is acidic and polar, with aspartic acid, which is acidic and polar, at codon 373 of the SPRED1 protein (p.Glu373Asp). This variant is present in population databases (no rsID available, gnomAD 0.004%). This variant has not been reported in the literature in individuals affected with SPRED1-related conditions. ClinVar contains an entry for this variant (Variation ID: 2173880). Invitae Evidence Modeling of protein sequence and biophysical properties (such as structural, functional, and spatial information, amino acid conservation, physicochemical variation, residue mobility, and thermodynamic stability) indicates that this missense variant is not expected to disrupt SPRED1 protein function with a negative predictive value of 80%. In summary, the available evidence is currently insufficient to determine the role of this variant in disease. Therefore, it has been classified as a Variant of Uncertain Significance.

Blueprint Genetics
Classification: Uncertain significance. Last evaluated: 2021-06-23. Review status: criteria provided, single submitter. Criteria: ACMG Guidelines, 2015. Collection method: clinical testing. Allele origin: germline.

NM_152594.3(SPRED1):c.1119G>C (p.Glu373Asp)

Gene: SPRED1 (sprouty related EVH1 domain containing 1; plus strand). Cytogenetic location: 15q14.
Variant type: single nucleotide variant.
Coding change: c.1119G>C on transcript NM_152594.3 (MANE Select); coding-DNA position 1119, G replaced by C.
Protein change: p.Glu373Asp; replaces glutamic acid 373 with aspartic acid.
Molecular consequence: missense variant.
Genome position (GRCh38, 1-based): chr15:38,351,448, G>C. VCF-style: chr15-38351448-G-C. GRCh37 (hg19) VCF-style: chr15-38643649-G-C.
Other names: short protein forms E373D.
Identifiers: ClinVar variation 2173880 (VCV002173880.5), dbSNP rs1085307754, ClinGen allele CA391934203.